The following is an entry in ClinVar:

NM_001710.6(CFB):c.485C>G (p.Ala162Gly)

Gene: CFB (complement factor B; plus strand). Cytogenetic location: 6p21.33.
Variant type: single nucleotide variant.
Coding change: c.485C>G on transcript NM_001710.6 (MANE Select); coding-DNA position 485, C replaced by G.
Protein change: p.Ala162Gly; replaces alanine 162 with glycine.
Molecular consequence: missense variant.
Genome position (GRCh38, 1-based): chr6:31,947,348, C>G. VCF-style: chr6-31947348-C-G. GRCh37 (hg19) VCF-style: chr6-31915125-C-G.
Other names: short protein forms A162G.
Identifiers: ClinVar variation 4854156 (VCV004854156.1).

ClinVar aggregate classification (germline): Uncertain significance (1 of 4 stars; one submission).

Conditions:
Atypical hemolytic-uremic syndrome with B factor anomaly. Also called: HEMOLYTIC UREMIC SYNDROME, ATYPICAL, SUSCEPTIBILITY TO, 4; AHUS, SUSCEPTIBILITY TO, 4. Identifiers: Orphanet 2134, MedGen C2752038, MONDO:0013042, OMIM 612924.

Submission:

3billion
Classification: Uncertain significance for Atypical hemolytic-uremic syndrome with B factor anomaly. Last evaluated: 2025-07-03. Review status: criteria provided, single submitter. Criteria: ACMG Guidelines, 2015. Collection method: clinical testing. Allele origin: germline. Affected: yes.
Comment: The variant is not observed in the gnomAD v4.1.0 dataset. Predicted Consequence/Location: Missense variant In silico tools predict the variant to alter splicing and produce an abnormal transcript [SpliceAI: 0.38 (>=0.2, moderate evidence for spliceogenicity)]. Different missense changes at the same codon have been reported as of uncertain significance (ClinVar ID: VCV003143774). Therefore, this variant is classified as VUS according to the recommendation of ACMG/AMP guideline.